The following is an entry in ClinVar:

ClinVar aggregate classification (germline): Benign/Likely benign. Review status: criteria provided, multiple submitters, no conflicts (2 of 4 stars). 3 submissions from 3 submitters: Benign (2); Likely benign (1). Last evaluated 2023-04-01.

Allele frequency attached by ClinVar (database versions not stated): 1000 Genomes Project 30x 0.00141; 1000 Genomes Project 0.00160; gnomAD exomes 0.00546 and 0.00721; gnomAD 0.00559 and 0.00615; ExAC 0.00562; TOPMed 0.00620; ESP Exome Variant Server 0.00700.
gnomAD v4.1: 11,411 of 1,614,158 alleles (0.71%); highest among the groups gnomAD compares: Middle Eastern, 1.5%; 59 homozygotes.

Submissions (3):

CeGaT Center for Human Genetics Tuebingen
Classification: Likely benign. Last evaluated: 2023-04-01. Review status: criteria provided, single submitter. Criteria: CeGaT Center For Human Genetics Tuebingen Variant Classification Criteria Version 2. Collection method: clinical testing. Allele origin: germline. Affected: yes. Observed: 1 variant allele.
Comment: ARNT: BP4, BS2

Labcorp Genetics (formerly Invitae), Labcorp
Classification: Benign. Last evaluated: 2018-08-15. Review status: criteria provided, single submitter. Criteria: Invitae Variant Classification Sherloc (09022015). Collection method: clinical testing. Allele origin: germline.

Breakthrough Genomics
Classification: Benign. Review status: criteria provided, single submitter. Criteria: ACMG Guidelines, 2015. Collection method: not provided. Allele origin: germline. Inheritance: Unknown mechanism. Affected: yes.

NM_001668.4(ARNT):c.1531G>A (p.Asp511Asn)

Gene: ARNT (aryl hydrocarbon receptor nuclear translocator; minus strand). Cytogenetic location: 1q21.3.
Variant type: single nucleotide variant.
Coding change: c.1531G>A on transcript NM_001668.4 (MANE Select); coding-DNA position 1531, G replaced by A.
Protein change: p.Asp511Asn; replaces aspartic acid 511 with asparagine.
Molecular consequence: missense variant.
Genome position (GRCh38, 1-based): chr1:150,817,408, C>T on the plus strand (G>A on the coding strand, the complement: ARNT is on the minus strand). VCF-style: chr1-150817408-C-T. GRCh37 (hg19) VCF-style: chr1-150789884-C-T.
Other names: c.1486G>A, p.Asp496Asn (NM_001197325.2, NM_178427.3); c.1489G>A, p.Asp497Asn (NM_001286035.2); c.1531G>A, p.Asp511Asn (NM_001286036.2); c.1504G>A, p.Asp502Asn (NM_001350224.2); c.1528G>A, p.Asp510Asn (NM_001350225.2); c.1525G>A, p.Asp509Asn (NM_001350226.2); short protein forms D509N, D511N, D496N, D497N, D502N, D510N.
Identifiers: ClinVar variation 782937 (VCV000782937.28), dbSNP rs1805133, ClinGen allele CA1080879.